The following is an entry in ClinVar:

NM_005228.5(EGFR):c.88G>A (p.Val30Ile)

Gene: EGFR (epidermal growth factor receptor; plus strand). Cytogenetic location: 7p11.2.
Variant type: single nucleotide variant.
Coding change: c.88G>A on transcript NM_005228.5 (MANE Select); coding-DNA position 88, G replaced by A.
Protein change: p.Val30Ile; replaces valine 30 with isoleucine.
Molecular consequence: missense variant.
Genome position (GRCh38, 1-based): chr7:55,019,365, G>A. VCF-style: chr7-55019365-G-A. GRCh37 (hg19) VCF-style: chr7-55087058-G-A.
Other names: c.88G>A, p.Val30Ile (NM_001346897.2, NM_001346898.2, NM_001346899.2 and 3 more transcripts); c.88G>A, p.Gly30Ser (NM_001346941.2); short protein forms V30I, G30S.
Identifiers: ClinVar variation 1461785 (VCV001461785.6), dbSNP rs1786376117, ClinGen allele CA367611323.

ClinVar aggregate classification (germline): Uncertain significance (1 of 4 stars; one submission).

Conditions:
EGFR-related lung cancer (EGFR). Identifiers: MedGen CN130014.

Allele frequency attached by ClinVar (database versions not stated): TOPMed below 0.00001.

Submission:

Labcorp Genetics (formerly Invitae), Labcorp
Classification: Uncertain significance for EGFR-related lung cancer. Last evaluated: 2025-01-17. Review status: criteria provided, single submitter. Criteria: Invitae Variant Classification Sherloc (09022015). Collection method: clinical testing. Allele origin: germline.
Comment: This sequence change replaces valine, which is neutral and non-polar, with isoleucine, which is neutral and non-polar, at codon 30 of the EGFR protein (p.Val30Ile). This variant also falls at the last nucleotide of exon 1, which is part of the consensus splice site for this exon. This variant is not present in population databases (gnomAD no frequency). This variant has not been reported in the literature in individuals affected with EGFR-related conditions. ClinVar contains an entry for this variant (Variation ID: 1461785). An algorithm developed to predict the effect of missense changes on protein structure and function (PolyPhen-2) suggests that this variant is likely to be tolerated. Variants that disrupt the consensus splice site are a relatively common cause of aberrant splicing (PMID: 17576681, 9536098). Algorithms developed to predict the effect of sequence changes on RNA splicing suggest that this variant may disrupt the consensus splice site. In summary, the available evidence is currently insufficient to determine the role of this variant in disease. Therefore, it has been classified as a Variant of Uncertain Significance.

Literature cited by the submitters: PubMed 17576681; PubMed 9536098.